The following is an entry in ClinVar:

ClinVar aggregate classification (germline): Likely benign (0 of 4 stars; one submission).

Conditions:
PEX19-related disorder. Also called: PEX19-related condition.

gnomAD v4.1: 5 of 1,613,914 alleles (0.00031%); highest among the groups gnomAD compares: Non-Finnish European, 0.00034%; no homozygotes.

Submission:

PreventionGenetics, part of Exact Sciences
Classification: Likely benign for PEX19-related condition. Last evaluated: 2021-02-02. Review status: no assertion criteria provided. Collection method: clinical testing. Allele origin: germline.
Comment: This variant is classified as likely benign based on ACMG/AMP sequence variant interpretation guidelines (Richards et al. 2015 PMID: 25741868, with internal and published modifications).

NM_002857.4(PEX19):c.21C>A (p.Gly7=)

Gene: PEX19 (peroxisomal biogenesis factor 19; minus strand). Cytogenetic location: 1q23.2.
Variant type: single nucleotide variant.
Coding change: c.21C>A on transcript NM_002857.4 (MANE Select); coding-DNA position 21, C replaced by A.
Protein change: p.Gly7=; no amino-acid change (glycine 7 retained).
Molecular consequence: synonymous variant. On other transcripts: non-coding transcript variant (2).
Genome position (GRCh38, 1-based): chr1:160,285,104, G>T on the plus strand (C>A on the coding strand, the complement: PEX19 is on the minus strand). VCF-style: chr1-160285104-G-T. GRCh37 (hg19) VCF-style: chr1-160254894-G-T.
Other names: c.21C>A, p.Gly7= (NM_001193644.1).
Identifiers: ClinVar variation 3031140 (VCV003031140.2), dbSNP rs140039683, ClinGen allele CA421363651.